The following is an entry in ClinVar:

NM_003738.5(PTCH2):c.3548G>A (p.Trp1183Ter)

Gene: PTCH2 (patched 2; minus strand). Cytogenetic location: 1p34.1.
Variant type: single nucleotide variant.
Coding change: c.3548G>A on transcript NM_003738.5 (MANE Select); coding-DNA position 3548, G replaced by A.
Protein change: p.Trp1183Ter; replaces tryptophan 1183 with a stop codon.
Molecular consequence: nonsense. On other transcripts: intron variant (1).
Genome position (GRCh38, 1-based): chr1:44,822,479, C>T on the plus strand (G>A on the coding strand, the complement: PTCH2 is on the minus strand). VCF-style: chr1-44822479-C-T. GRCh37 (hg19) VCF-style: chr1-45288151-C-T.
Other names: c.3425+123G>A (NM_001166292.2); short protein forms W1183*.
Identifiers: ClinVar variation 570024 (VCV000570024.12), dbSNP rs56024410, ClinGen allele CA822658.

ClinVar aggregate classification (germline): Uncertain significance. Review status: criteria provided, multiple submitters, no conflicts (2 of 4 stars). 3 submissions from 3 submitters: Uncertain significance (3). Last evaluated 2026-01-16.

Conditions:
Basal cell nevus syndrome 1 (BCNS1). Also called: GORLIN-GOLTZ SYNDROME; MULTIPLE BASAL CELL NEVI, ODONTOGENIC KERATOCYSTS, AND SKELETAL ANOMALIES. Identifiers: MedGen CN376810, MONDO:0958174, OMIM 109400.
Gorlin syndrome. Also called: Nevoid Basal Cell Carcinoma Syndrome; Basal cell nevus syndrome. Identifiers: Orphanet 377, MedGen C0004779, MONDO:0007187.
Basal cell carcinoma, susceptibility to, 1. Also called: BCC1. Identifiers: MedGen C2751544, MONDO:0011556, OMIM 605462.
Medulloblastoma (MDB). Also called: MEDULLOBLASTOMA PREDISPOSITION SYNDROME; Medulloblastoma, somatic. Identifiers: Orphanet 616, MedGen C0025149, MeSH D008527, MONDO:0007959, OMIM 155255, HP:0002885.

Allele frequency attached by ClinVar (database versions not stated): gnomAD 0.00002 and 0.00003; TOPMed 0.00002; ExAC 0.00003; 1000 Genomes Project 30x 0.00016; 1000 Genomes Project 0.00020.
gnomAD v4.1: 29 of 1,613,824 alleles (0.0018%); highest among the groups gnomAD compares: East Asian, 0.04%; no homozygotes.

Submissions (3):

Labcorp Genetics (formerly Invitae), Labcorp
Classification: Uncertain significance for Gorlin syndrome. Last evaluated: 2026-01-16. Review status: criteria provided, single submitter. Criteria: Invitae Variant Classification Sherloc (09022015). Collection method: clinical testing. Allele origin: germline.
Comment: This sequence change creates a premature translational stop signal (p.Trp1183*) in the PTCH2 gene. While this is not anticipated to result in nonsense mediated decay, it is expected to disrupt the last 21 amino acid(s) of the PTCH2 protein. This variant is present in population databases (rs56024410, gnomAD 0.06%), and has an allele count higher than expected for a pathogenic variant. This variant has not been reported in the literature in individuals affected with PTCH2-related conditions. ClinVar contains an entry for this variant (Variation ID: 570024). In summary, the available evidence is currently insufficient to determine the role of this variant in disease. Therefore, it has been classified as a Variant of Uncertain Significance.

Fulgent Genetics
Classification: Uncertain significance for Medulloblastoma; Basal cell carcinoma, susceptibility to, 1. Last evaluated: 2024-06-19. Review status: criteria provided, single submitter. Criteria: ACMG Guidelines, 2015. Collection method: clinical testing. Allele origin: germline.

St. Jude Molecular Pathology, St. Jude Children's Research Hospital
Classification: Uncertain significance for Basal cell nevus syndrome 1. Last evaluated: 2024-03-13. Review status: criteria provided, single submitter. Criteria: St. Jude Assertion Criteria 2020. Collection method: clinical testing. Allele origin: germline.
Comment: The PTCH2 c.3548G>A (p.Trp1183Ter) change is a nonsense variant that is not predicted to result in nonsense mediated decay. This variant has a maximum subpopulation frequency of 0.08% in gnomAD v2.1.1. This variant has not been reported in individuals with nevoid basal cell carcinoma syndrome.??In summary, the evidence currently available is insufficient to determine the clinical significance of this variant. It has therefore been classified as of uncertain significance.??